The following is an entry in ClinVar:

NM_001042492.3(NF1):c.2351G>A (p.Trp784Ter)

Gene: NF1 (neurofibromin 1; plus strand). Cytogenetic location: 17q11.2.
Variant type: single nucleotide variant.
Coding change: c.2351G>A on transcript NM_001042492.3 (MANE Select); coding-DNA position 2351, G replaced by A.
Protein change: p.Trp784Ter; replaces tryptophan 784 with a stop codon.
Molecular consequence: nonsense.
Genome position (GRCh38, 1-based): chr17:31,227,548, G>A. VCF-style: chr17-31227548-G-A. GRCh37 (hg19) VCF-style: chr17-29554566-G-A.
Other names: c.2351G>A, p.Trp784Ter (NM_000267.4); short protein forms W784*.
Identifiers: ClinVar variation 2764008 (VCV002764008.4), dbSNP rs2067038047, ClinGen allele CA398983098.

ClinVar aggregate classification (germline): Pathogenic. Review status: criteria provided, multiple submitters, no conflicts (2 of 4 stars). 2 submissions from 2 submitters: Pathogenic (2). Last evaluated 2024-06-07.

Conditions:
Neurofibromatosis, type 1 (NF1). Also called: Peripheral type neurofibromatosis; VON RECKLINGHAUSEN DISEASE; NEUROFIBROMATOSIS, TYPE I, SOMATIC; Neurofibromatosis, type I. Identifiers: Orphanet 636, MedGen C0027831, MONDO:0018975, OMIM 162200. Disease mechanism: loss of function.
NF1-related disorder. Also called: NF1-related condition. Identifiers: MedGen CN379171.

Submissions (2):

Labcorp Genetics (formerly Invitae), Labcorp
Classification: Pathogenic for Neurofibromatosis, type 1. Last evaluated: 2024-06-07. Review status: criteria provided, single submitter. Criteria: Invitae Variant Classification Sherloc (09022015). Collection method: clinical testing. Allele origin: germline.
Comment: This sequence change creates a premature translational stop signal (p.Trp784*) in the NF1 gene. It is expected to result in an absent or disrupted protein product. Loss-of-function variants in NF1 are known to be pathogenic (PMID: 10712197, 23913538). This variant is not present in population databases (gnomAD no frequency). This variant has not been reported in the literature in individuals affected with NF1-related conditions. For these reasons, this variant has been classified as Pathogenic.

Blueprint Genetics
Classification: Pathogenic for NF1-related disorders. Last evaluated: 2021-08-12. Review status: criteria provided, single submitter. Criteria: ACMG Guidelines, 2015. Collection method: clinical testing. Allele origin: germline. Affected: yes. Observed: 1 variant allele.

Literature cited by the submitters: PubMed 10712197 (cited by Labcorp Genetics (formerly Invitae), Labcorp); PubMed 23913538 (cited by Labcorp Genetics (formerly Invitae), Labcorp).